The following is an entry in ClinVar:

NM_002691.4(POLD1):c.1023_1033del (p.Leu342fs)

Gene: POLD1 (DNA polymerase delta 1, catalytic subunit; plus strand). Cytogenetic location: 19q13.33.
Variant type: Deletion.
Coding change: c.1023_1033del on transcript NM_002691.4 (MANE Select); coding-DNA positions 1023 to 1033, 11 bases deleted (CCTGCGCTGGG).
Protein change: p.Leu342fs; shifts the reading frame from leucine 342.
Molecular consequence: frameshift variant. On other transcripts: non-coding transcript variant (1).
Genome position (GRCh38, 1-based): chr19:50,403,105-50,403,115, CCTGCGCTGGG deleted; deleting any 11 consecutive bases within chr19:50,403,098-50,403,115 gives the same sequence; the c. name uses the placement nearest the transcript's 3' end. VCF-style (leftmost placement, unchanged base first): chr19-50403097-TCGCTGGGCCTG-T. GRCh37 (hg19) VCF-style: chr19-50906354-TCGCTGGGCCTG-T.
Other names: c.1023_1033del, p.Leu342fs (NM_001256849.1, NM_001308632.1); short protein forms L342fs.
Identifiers: ClinVar variation 484435 (VCV000484435.7), dbSNP rs1555790398, ClinGen allele CA658658833.

ClinVar aggregate classification (germline): Uncertain significance. Review status: criteria provided, multiple submitters, no conflicts (2 of 4 stars). 2 submissions from 2 submitters: Uncertain significance (2). Last evaluated 2025-12-03.

Conditions:
Hereditary cancer-predisposing syndrome. Also called: Tumor predisposition; Hereditary Cancer Syndrome; Hereditary neoplastic syndrome; Neoplastic Syndromes, Hereditary. Identifiers: Orphanet 140162, MedGen C0027672, MeSH D009386, MONDO:0015356.
POLD1-related polyposis and colorectal cancer syndrome (CRCS10). Also called: Colorectal cancer 10; COLORECTAL CANCER, SUSCEPTIBILITY TO, ON CHROMOSOME 19q; Colorectal cancer, susceptibility to, 10. Identifiers: Orphanet 220460, MedGen C2675481, MONDO:0012953, OMIM 612591.

Submissions (2):

Labcorp Genetics (formerly Invitae), Labcorp
Classification: Uncertain significance for POLD1-related polyposis and colorectal cancer syndrome. Last evaluated: 2025-12-03. Review status: criteria provided, single submitter. Criteria: Invitae Variant Classification Sherloc (09022015). Collection method: clinical testing. Allele origin: germline.
Comment: This sequence change creates a premature translational stop signal (p.Leu342Glyfs*289) in the POLD1 gene. Missense variants that disrupt the 3'-5' exonuclease (proof-reading) activity of the POLD1 protein are associated with PPAP (polymerase proofreading–associated polyposis) (PMID: 23263490, 23447401). However, loss-of-function variants that result in an absent or severely disrupted POLD1 protein, and missense variants outside the exonuclease domain, are unlikely to be associated with PPAP. This variant is not present in population databases (gnomAD no frequency). This variant has not been reported in the literature in individuals affected with POLD1-related conditions. ClinVar contains an entry for this variant (Variation ID: 484435). In summary, the available evidence is currently insufficient to determine the role of this variant in disease. Therefore, it has been classified as a Variant of Uncertain Significance.

Ambry Genetics
Classification: Uncertain significance for Hereditary cancer-predisposing syndrome. Last evaluated: 2025-06-27. Review status: criteria provided, single submitter. Criteria: Ambry Variant Classification Scheme 2023. Collection method: clinical testing. Allele origin: germline.
Comment: The c.1023_1033del11 variant, located in coding exon 8 of the POLD1 gene, results from a deletion of 11 nucleotides at nucleotide positions 1023 to 1033, causing a translational frameshift with a predicted alternate stop codon (p.L342Gfs*289). This alteration is expected to result in loss of function by premature protein truncation or nonsense-mediated mRNA decay. However, loss of function of POLD1 has not been established as a mechanism of disease. Based on the available evidence, the clinical significance of this variant remains unclear.

Literature cited by the submitters: PubMed 23263490 (cited by Labcorp Genetics (formerly Invitae), Labcorp); PubMed 23447401 (cited by Labcorp Genetics (formerly Invitae), Labcorp).